The following is an entry in ClinVar:

ClinVar aggregate classification (germline): Uncertain significance (1 of 4 stars; one submission).

Submission:

Labcorp Genetics (formerly Invitae), Labcorp
Classification: Uncertain significance. Last evaluated: 2024-05-26. Review status: criteria provided, single submitter. Criteria: Invitae Variant Classification Sherloc (09022015). Collection method: clinical testing. Allele origin: germline.
Comment: This sequence change replaces glutamic acid, which is acidic and polar, with glutamine, which is neutral and polar, at codon 1023 of the CACNA1E protein (p.Glu1023Gln). This variant is not present in population databases (gnomAD no frequency). This variant has not been reported in the literature in individuals affected with CACNA1E-related conditions. Advanced modeling of protein sequence and biophysical properties (such as structural, functional, and spatial information, amino acid conservation, physicochemical variation, residue mobility, and thermodynamic stability) has been performed at Invitae for this missense variant, however the output from this modeling did not meet the statistical confidence thresholds required to predict the impact of this variant on CACNA1E protein function. In summary, the available evidence is currently insufficient to determine the role of this variant in disease. Therefore, it has been classified as a Variant of Uncertain Significance.

NM_001205293.3(CACNA1E):c.3067G>C (p.Glu1023Gln)

Gene: CACNA1E (calcium voltage-gated channel subunit alpha1 E; plus strand). Cytogenetic location: 1q25.3.
Variant type: single nucleotide variant.
Coding change: c.3067G>C on transcript NM_001205293.3 (MANE Select); coding-DNA position 3067, G replaced by C.
Protein change: p.Glu1023Gln; replaces glutamic acid 1023 with glutamine.
Molecular consequence: missense variant.
Genome position (GRCh38, 1-based): chr1:181,733,555, G>C. VCF-style: chr1-181733555-G-C. GRCh37 (hg19) VCF-style: chr1-181702691-G-C.
Other names: c.3067G>C, p.Glu1023Gln (NM_000721.4); c.3010G>C, p.Glu1004Gln (NM_001205294.2); short protein forms E1004Q, E1023Q.
Identifiers: ClinVar variation 3633675 (VCV003633675.2).